The following is an entry in ClinVar:

ClinVar aggregate classification (germline): Uncertain significance (1 of 4 stars; one submission).

Conditions:
Progressive myoclonic epilepsy type 7. Identifiers: Orphanet 435438, MedGen C4015420, MONDO:0014521, OMIM 616187.

Allele frequency attached by ClinVar (database versions not stated): gnomAD exomes below 0.00001.

Submission:

Labcorp Genetics (formerly Invitae), Labcorp
Classification: Uncertain significance for Progressive myoclonic epilepsy type 7. Last evaluated: 2023-03-08. Review status: criteria provided, single submitter. Criteria: Invitae Variant Classification Sherloc (09022015). Collection method: clinical testing. Allele origin: germline.
Comment: This sequence change replaces leucine, which is neutral and non-polar, with phenylalanine, which is neutral and non-polar, at codon 179 of the KCNC1 protein (p.Leu179Phe). This variant is not present in population databases (gnomAD no frequency). This variant has not been reported in the literature in individuals affected with KCNC1-related conditions. Advanced modeling of protein sequence and biophysical properties (such as structural, functional, and spatial information, amino acid conservation, physicochemical variation, residue mobility, and thermodynamic stability) performed at Invitae indicates that this missense variant is not expected to disrupt KCNC1 protein function. In summary, the available evidence is currently insufficient to determine the role of this variant in disease. Therefore, it has been classified as a Variant of Uncertain Significance.

NM_001112741.2(KCNC1):c.535C>T (p.Leu179Phe)

Gene: KCNC1 (potassium voltage-gated channel subfamily C member 1; plus strand). Cytogenetic location: 11p15.1.
Variant type: single nucleotide variant.
Coding change: c.535C>T on transcript NM_001112741.2 (MANE Select); coding-DNA position 535, C replaced by T.
Protein change: p.Leu179Phe; replaces leucine 179 with phenylalanine.
Molecular consequence: missense variant.
Genome position (GRCh38, 1-based): chr11:17,736,537, C>T. VCF-style: chr11-17736537-C-T. GRCh37 (hg19) VCF-style: chr11-17758084-C-T.
Other names: c.535C>T, p.Leu179Phe (NM_004976.4); short protein forms L179F.
Identifiers: ClinVar variation 2957241 (VCV002957241.3), dbSNP rs2497737005, ClinGen allele CA379801999.
Genomic context (GRCh38, chr11:17,736,537, plus strand): 5'-GACTCCCCGGATGGCCGGCCTGGCGGCTTTTGGCGCCGCTGGCAGCCGCGCATCTGGGCG[C>T]TCTTCGAGGACCCGTACTCGTCCCGCTACGCGCGGGTAAGTGACAATTTACCCATCAGAA-3'
Protein context (NP_001106212.1, residues 169-189): WRRWQPRIWA[Leu179Phe]FEDPYSSRYA